The following is an entry in ClinVar:

ClinVar aggregate classification (germline): Uncertain significance (1 of 4 stars; one submission).

Allele frequency attached by ClinVar (database versions not stated): gnomAD exomes below 0.00001.
gnomAD v4.1: 1 of 1,613,778 alleles (0.000062%); highest among the groups gnomAD compares: Non-Finnish European, 0.000085%; no homozygotes.

Submission:

Labcorp Genetics (formerly Invitae), Labcorp
Classification: Uncertain significance. Last evaluated: 2024-05-28. Review status: criteria provided, single submitter. Criteria: Invitae Variant Classification Sherloc (09022015). Collection method: clinical testing. Allele origin: germline.
Comment: This sequence change replaces valine, which is neutral and non-polar, with methionine, which is neutral and non-polar, at codon 2472 of the ACAN protein (p.Val2472Met). This variant is not present in population databases (gnomAD no frequency). This variant has not been reported in the literature in individuals affected with ACAN-related conditions. An algorithm developed to predict the effect of missense changes on protein structure and function (PolyPhen-2) suggests that this variant is likely to be disruptive. In summary, the available evidence is currently insufficient to determine the role of this variant in disease. Therefore, it has been classified as a Variant of Uncertain Significance.

NM_001369268.1(ACAN):c.7528G>A (p.Val2510Met)

Gene: ACAN (aggrecan; plus strand). Cytogenetic location: 15q26.1.
Variant type: single nucleotide variant.
Coding change: c.7528G>A on transcript NM_001369268.1 (MANE Select); coding-DNA position 7528, G replaced by A.
Protein change: p.Val2510Met; replaces valine 2510 with methionine.
Molecular consequence: missense variant. On other transcripts: intron variant (1).
Genome position (GRCh38, 1-based): chr15:88,873,922, G>A. VCF-style: chr15-88873922-G-A. GRCh37 (hg19) VCF-style: chr15-89417153-G-A.
Other names: c.7220-483G>A (NM_001135.4); c.7300G>A, p.Val2434Met (NM_001411096.1); c.7414G>A, p.Val2472Met (NM_001411097.1, NM_013227.4); short protein forms V2510M, V2434M, V2472M.
Identifiers: ClinVar variation 2870985 (VCV002870985.3), dbSNP rs2505392426, ClinGen allele CA393731185.
Genomic context (GRCh38, chr15:88,873,922, plus strand): 5'-GTGGTGGAGCATGCCAGGACCTTCGGGCAGAAGAAGGACCGGTATGAGATCAATTCCCTG[G>A]TGCGGTACCAGTGCACAGAGGGGTTTGTCCAGCGCCACATGCCCACCATCCGGTGCCAGC-3'
Protein context (NP_001356197.1, residues 2500-2520): KKDRYEINSL[Val2510Met]RYQCTEGFVQ